The following is an entry in ClinVar:

ClinVar aggregate classification (germline): Uncertain significance (1 of 4 stars; one submission).

Conditions:
Familial cold autoinflammatory syndrome 2 (FCAS2). Identifiers: Orphanet 247868, MedGen C2673198, MONDO:0012724, OMIM 611762.

Submission:

Labcorp Genetics (formerly Invitae), Labcorp
Classification: Uncertain significance for Familial cold autoinflammatory syndrome 2. Last evaluated: 2022-07-19. Review status: criteria provided, single submitter. Criteria: Invitae Variant Classification Sherloc (09022015). Collection method: clinical testing. Allele origin: germline.
Comment: In summary, the available evidence is currently insufficient to determine the role of this variant in disease. Therefore, it has been classified as a Variant of Uncertain Significance. This variant has not been reported in the literature in individuals affected with NLRP12-related conditions. This variant is not present in population databases (gnomAD no frequency). This sequence change creates a premature translational stop signal (p.Leu290Serfs*49) in the NLRP12 gene. It is expected to result in an absent or disrupted protein product. However, the current clinical and genetic evidence is not sufficient to establish whether loss-of-function variants in NLRP12 cause disease.

NM_144687.4(NLRP12):c.836_867dup (p.Leu290fs)

Gene: NLRP12 (NLR family pyrin domain containing 12; minus strand). Cytogenetic location: 19q13.42.
Variant type: Duplication.
Coding change: c.836_867dup on transcript NM_144687.4 (MANE Select); coding-DNA positions 836 to 867, 32 bases duplicated.
Protein change: p.Leu290fs; shifts the reading frame from leucine 290.
Molecular consequence: frameshift variant.
Genome position (GRCh38, 1-based): chr19:53,810,792-53,810,823, 32 bases duplicated; duplicating any 32 consecutive bases within chr19:53,810,792-53,810,830 gives the same sequence; the c. name uses the placement nearest the transcript's 3' end. GRCh37 (hg19): chr19:54,314,053-54,314,084.
Other names: c.836_867dup, p.Leu290fs (NM_001277126.2, NM_001277129.1); short protein forms L290fs.
Identifiers: ClinVar variation 1995658 (VCV001995658.4), dbSNP rs2514347315, ClinGen allele CA2580097747.